The following is an entry in ClinVar:

NM_001077350.3(NPRL3):c.811C>G (p.Leu271Val)

Genes: HBA-LCR (alpha-globin locus control region; plus strand), NPRL3 (NPR3 like, GATOR1 complex subunit; minus strand). Cytogenetic location: 16p13.3.
Variant type: single nucleotide variant.
Coding change: c.811C>G on transcript NM_001077350.3 (MANE Select); coding-DNA position 811, C replaced by G.
Protein change: p.Leu271Val; replaces leucine 271 with valine.
Molecular consequence: missense variant.
Genome position (GRCh38, 1-based): chr16:98,258, G>C on the plus strand (C>G on the coding strand, the complement: NPRL3 is on the minus strand). VCF-style: chr16-98258-G-C. GRCh37 (hg19) VCF-style: chr16-148256-G-C.
Other names: c.274C>G, p.Leu92Val (NM_001039476.3); c.577C>G, p.Leu193Val (NM_001243247.2); c.736C>G, p.Leu246Val (NM_001243248.2, NM_001243249.2); short protein forms L246V, L193V, L271V, L92V.
Identifiers: ClinVar variation 862770 (VCV000862770.7), dbSNP rs984688777, ClinGen allele CA276465722.

ClinVar aggregate classification (germline): Uncertain significance (1 of 4 stars; one submission).

Conditions:
Epilepsy, familial focal, with variable foci 3 (FFEVF3). Identifiers: MedGen C4310708, MONDO:0014925, OMIM 617118.

Allele frequency attached by ClinVar (database versions not stated): gnomAD exomes below 0.00001; TOPMed below 0.00001; gnomAD 0.00001.
gnomAD v4.1: 6 of 1,613,890 alleles (0.00037%); highest among the groups gnomAD compares: Non-Finnish European, 0.00051%; no homozygotes.

Submission:

Labcorp Genetics (formerly Invitae), Labcorp
Classification: Uncertain significance for Epilepsy, familial focal, with variable foci 3. Last evaluated: 2024-02-05. Review status: criteria provided, single submitter. Criteria: Invitae Variant Classification Sherloc (09022015). Collection method: clinical testing. Allele origin: germline.
Comment: This sequence change replaces leucine, which is neutral and non-polar, with valine, which is neutral and non-polar, at codon 271 of the NPRL3 protein (p.Leu271Val). This variant is not present in population databases (gnomAD no frequency). This variant has not been reported in the literature in individuals affected with NPRL3-related conditions. ClinVar contains an entry for this variant (Variation ID: 862770). Advanced modeling of protein sequence and biophysical properties (such as structural, functional, and spatial information, amino acid conservation, physicochemical variation, residue mobility, and thermodynamic stability) performed at Invitae indicates that this missense variant is not expected to disrupt NPRL3 protein function with a negative predictive value of 80%. In summary, the available evidence is currently insufficient to determine the role of this variant in disease. Therefore, it has been classified as a Variant of Uncertain Significance.